The following is an entry in ClinVar:

ClinVar aggregate classification (germline): Likely pathogenic (1 of 4 stars; one submission).

Conditions:
Glycogen storage disease, type II (IOPD). Also called: Pompe Disease; CARDIOMEGALIA GLYCOGENICA DIFFUSA; GLYCOGENOSIS, GENERALIZED, CARDIAC FORM; GSD II; POMPE DISEASE, INFANTILE-ONSET; GLYCOGEN STORAGE DISEASE II, INFANTILE-ONSET. Identifiers: Orphanet 365, MedGen C0017921, MONDO:0009290, OMIM 232300.

Submission:

Genomenon, Inc
Classification: Likely pathogenic for Glycogen storage disease, type II. Last evaluated: 2026-07-01. Review status: criteria provided, single submitter. Criteria: Genomenon Sequence Variant Interpretation Standards - Updated. Collection method: curation. Allele origin: germline. Affected: yes.
Comment: GAA p.His572Asp (c.1714C>G) is a missense variant that changes the amino acid at codon 572 from Histidine to Aspartic acid. This variant has been observed in at least one proband with a GAA-related disorder in the compound heterozygous and/or homozygous state (PMID:33301762). The presence of pathogenic/likely pathogenic missense variant(s) at the same amino acid position indicates that this residue is likely important for protein function. It is absent or not present at a significant frequency in gnomAD. In silico models predict that this variant is possibly or probably damaging. In conclusion, we classify GAA p.His572Asp (c.1714C>G) as a likely pathogenic variant.

Literature cited by the submitters: PubMed 33301762.

NM_000152.5(GAA):c.1714C>G (p.His572Asp)

Gene: GAA (alpha glucosidase; plus strand). Cytogenetic location: 17q25.3.
Variant type: single nucleotide variant.
Coding change: c.1714C>G on transcript NM_000152.5 (MANE Select); coding-DNA position 1714, C replaced by G.
Protein change: p.His572Asp; replaces histidine 572 with aspartic acid.
Molecular consequence: missense variant.
Genome position (GRCh38, 1-based): chr17:80,112,060, C>G. VCF-style: chr17-80112060-C-G. GRCh37 (hg19) VCF-style: chr17-78085859-C-G.
Other names: c.1714C>G, p.His572Asp (NM_001079804.3, NM_001406741.1, NM_001406742.1 and 1 more transcripts); short protein forms H572D.
Identifiers: ClinVar variation 4876550 (VCV004876550.1).